The following is an entry in ClinVar:

ClinVar aggregate classification (germline): Conflicting classifications of pathogenicity. Review status: criteria provided, conflicting classifications (1 of 4 stars). 5 submissions from 5 submitters: Pathogenic (1); Likely pathogenic (3); Uncertain significance (1). Last evaluated 2026-03-09.

Conditions:
Glycine encephalopathy. Also called: Non-ketotic hyperglycinemia; Nonketotic hyperglycinemia. Identifiers: Orphanet 407, MedGen C0751748, MONDO:0011612, HP:0008288.
Glycine encephalopathy 1 (GCE1). Identifiers: MedGen CN376801, MONDO:0958179, OMIM 605899.

Allele frequency attached by ClinVar (database versions not stated): gnomAD exomes 0.00001; ExAC 0.00002.
gnomAD v4.1: 8 of 1,613,042 alleles (0.0005%); highest among the groups gnomAD compares: South Asian, 0.0022%; no homozygotes.

Submissions (5):

Myriad Genetics, Inc.
Classification: Uncertain significance for Glycine encephalopathy 1. Last evaluated: 2026-03-09. Review status: criteria provided, single submitter. Criteria: Myriad Autosomal Dominant, Autosomal Recessive and X-Linked Classification Criteria (2023). Collection method: clinical testing. Allele origin: unknown.
Comment: NM_000170.2(GLDC):c.1607G>A(R536Q) is a missense variant classified as a variant of uncertain significance in the context of glycine encephalopathy, GLDC-related. R536Q has been observed in cases with relevant disease (PMID: 39206282, 27362913, 25231368, Li_2023_(Article)). Relevant functional assessments of this variant are not available in the literature. R536Q has been observed in referenced population frequency databases. In summary, there is insufficient evidence to classify NM_000170.2(GLDC):c.1607G>A(R536Q) as pathogenic or benign. Please note: this variant was assessed in the context of healthy population screening.

GeneDx
Classification: Likely pathogenic. Last evaluated: 2025-07-19. Review status: criteria provided, single submitter. Criteria: GeneDx Variant Classification Process June 2021. Collection method: clinical testing. Allele origin: germline. Affected: yes.
Comment: Not observed at significant frequency in large population cohorts (gnomAD); In silico analysis supports that this missense variant has a deleterious effect on protein structure/function; This variant is associated with the following publications: (PMID: 25231368, 27362913, 34513771, 32421718, Li[CaseReport2023])

Fulgent Genetics
Classification: Likely pathogenic for Glycine encephalopathy 1. Last evaluated: 2024-04-25. Review status: criteria provided, single submitter. Criteria: ACMG Guidelines, 2015. Collection method: clinical testing. Allele origin: germline.

Women's Health and Genetics/Laboratory Corporation of America, LabCorp
Classification: Likely pathogenic for Glycine encephalopathy. Last evaluated: 2024-04-22. Review status: criteria provided, single submitter. Criteria: LabCorp Variant Classification Summary - May 2015. Collection method: clinical testing. Allele origin: germline.
Comment: Variant summary: GLDC c.1607G>A (p.Arg536Gln) results in a conservative amino acid change in the encoded protein sequence. Four of five in-silico tools predict a damaging effect of the variant on protein function. The variant allele was found at a frequency of 1.2e-05 in 251148 control chromosomes (gnomAD). c.1607G>A has been reported in the literature in individuals affected with Glycine Encephalopathy (Non-Ketotic Hyperglycinemia; Azize_2014, Coughlin_2017, Cao_2021). These data indicate that the variant is likely to be associated with disease. To our knowledge, no experimental evidence demonstrating an impact on protein function has been reported. The following publications have been ascertained in the context of this evaluation (PMID: 25231368, 27362913, 34513771). ClinVar contains an entry for this variant (Variation ID: 1458071). Based on the evidence outlined above, the variant was classified as likely pathogenic.

Labcorp Genetics (formerly Invitae), Labcorp
Classification: Pathogenic for Glycine encephalopathy. Last evaluated: 2023-11-10. Review status: criteria provided, single submitter. Criteria: Invitae Variant Classification Sherloc (09022015). Collection method: clinical testing. Allele origin: germline.
Comment: This sequence change replaces arginine, which is basic and polar, with glutamine, which is neutral and polar, at codon 536 of the GLDC protein (p.Arg536Gln). This variant is present in population databases (rs747853668, gnomAD 0.007%). This missense change has been observed in individual(s) with glycine encephalopathy (PMID: 25231368, 27362913). ClinVar contains an entry for this variant (Variation ID: 1458071). Advanced modeling of protein sequence and biophysical properties (such as structural, functional, and spatial information, amino acid conservation, physicochemical variation, residue mobility, and thermodynamic stability) performed at Invitae indicates that this missense variant is expected to disrupt GLDC protein function with a positive predictive value of 80%. This variant disrupts the p.Arg536 amino acid residue in GLDC. Other variant(s) that disrupt this residue have been observed in individuals with GLDC-related conditions (PMID: 27362913), which suggests that this may be a clinically significant amino acid residue. For these reasons, this variant has been classified as Pathogenic.

Literature cited by the submitters: PubMed 27362913 (cited by Women's Health and Genetics/Laboratory Corporation of America, LabCorp and Labcorp Genetics (formerly Invitae), Labcorp); PubMed 25231368 (cited by Women's Health and Genetics/Laboratory Corporation of America, LabCorp and Labcorp Genetics (formerly Invitae), Labcorp); PubMed 34513771 (cited by Women's Health and Genetics/Laboratory Corporation of America, LabCorp).

NM_000170.3(GLDC):c.1607G>A (p.Arg536Gln)

Gene: GLDC (glycine decarboxylase; minus strand). Cytogenetic location: 9p24.1.
Variant type: single nucleotide variant.
Coding change: c.1607G>A on transcript NM_000170.3 (MANE Select); coding-DNA position 1607, G replaced by A.
Protein change: p.Arg536Gln; replaces arginine 536 with glutamine.
Molecular consequence: missense variant.
Genome position (GRCh38, 1-based): chr9:6,588,676, C>T on the plus strand (G>A on the coding strand, the complement: GLDC is on the minus strand). VCF-style: chr9-6588676-C-T. GRCh37 (hg19) VCF-style: chr9-6588676-C-T.
Other names: c.1607G>A (NM_000170.2); short protein forms R536Q.
Identifiers: ClinVar variation 1458071 (VCV001458071.11), dbSNP rs747853668, ClinGen allele CA4980612.
Genomic context (GRCh38, chr9:6,588,676, plus strand): 5'-ACCAGTGGAATCATGCTGTGAACAAGGGAAATGTCTTTATTTTCCAGTTTCTTCATGTAC[C>T]GGACAATGTTTGTTTCAGAGTGGTAGCTGTGAACACAAAACACAGAATTAGGGGCCCCAA-3'
Protein context (NP_000161.2, residues 526-546): NSYHSETNIV[Arg536Gln]YMKKLENKDI